The following is an entry in ClinVar:

ClinVar aggregate classification (germline): Uncertain significance (1 of 4 stars; one submission).

Submission:

Labcorp Genetics (formerly Invitae), Labcorp
Classification: Uncertain significance. Last evaluated: 2020-08-14. Review status: criteria provided, single submitter. Criteria: Invitae Variant Classification Sherloc (09022015). Collection method: clinical testing. Allele origin: germline.
Comment: This sequence change replaces histidine with arginine at codon 1023 of the MSH3 protein (p.His1023Arg). The histidine residue is weakly conserved and there is a small physicochemical difference between histidine and arginine. This variant is not present in population databases (ExAC no frequency). This variant has not been reported in the literature in individuals with MSH3-related conditions. Algorithms developed to predict the effect of missense changes on protein structure and function (SIFT, PolyPhen-2, Align-GVGD) all suggest that this variant is likely to be tolerated, but these predictions have not been confirmed by published functional studies and their clinical significance is uncertain. In summary, the available evidence is currently insufficient to determine the role of this variant in disease. Therefore, it has been classified as a Variant of Uncertain Significance.

NM_002439.5(MSH3):c.3068A>G (p.His1023Arg)

Gene: MSH3 (mutS homolog 3; plus strand). Cytogenetic location: 5q14.1.
Variant type: single nucleotide variant.
Coding change: c.3068A>G on transcript NM_002439.5 (MANE Select); coding-DNA position 3068, A replaced by G.
Protein change: p.His1023Arg; replaces histidine 1023 with arginine.
Molecular consequence: missense variant.
Genome position (GRCh38, 1-based): chr5:80,864,880, A>G. VCF-style: chr5-80864880-A-G. GRCh37 (hg19) VCF-style: chr5-80160699-A-G.
Other names: short protein forms H1023R.
Identifiers: ClinVar variation 1051948 (VCV001051948.9), dbSNP rs2112118461, ClinGen allele CA360346311.
Genomic context (GRCh38, chr5:80,864,880, plus strand): 5'-CCTTAACCCTGTTTGTCACCCATTATCCGCCAGTTTGTGAACTAGAAAAAAATTACTCAC[A>G]CCAGGTGGGGAATTACCACATGGGATTCTTGGTCAGTGAGGATGAAAGCAAACTGGATCC-3'
Protein context (NP_002430.3, residues 1013-1033): PVCELEKNYS[His1023Arg]QVGNYHMGFL